The following is an entry in ClinVar:

NM_078480.3(PUF60):c.207+1G>C

Gene: PUF60 (poly(U) binding splicing factor 60; minus strand). Cytogenetic location: 8q24.3.
Variant type: single nucleotide variant.
Coding change: c.207+1G>C on transcript NM_078480.3 (MANE Select); the canonical splice donor site of the intron after coding-DNA position 207, G replaced by C.
Molecular consequence: splice donor variant.
Genome position (GRCh38, 1-based): chr8:143,821,817, C>G on the plus strand (G>C on the coding strand, the complement: PUF60 is on the minus strand). VCF-style: chr8-143821817-C-G. GRCh37 (hg19) VCF-style: chr8-144903987-C-G.
Other names: c.120+1G>C (NM_001271097.2, NM_001271099.2); c.204+1G>C (NM_001271096.2, NM_001271098.2); c.207+1G>C (NM_014281.5); c.78+1G>C (NM_001271100.2, NM_001136033.3); c.318+1G>C (NM_001362897.2, NM_001362895.2, NM_001362896.2).
Identifiers: ClinVar variation 3544371 (VCV003544371.2).

ClinVar aggregate classification (germline): Likely pathogenic (1 of 4 stars; one submission).

Conditions:
8q24.3 microdeletion syndrome. Also called: CHROMOSOME 8q24.3 DELETION SYNDROME; Verheij syndrome. Identifiers: Orphanet 508488, MedGen C3810023, MONDO:0014263, OMIM 615583.

Submission:

Molecular Genetics Laboratory, Motol Hospital
Classification: Likely pathogenic for 8q24.3 microdeletion syndrome. Last evaluated: 2025-01-07. Review status: criteria provided, single submitter. Criteria: ACMG Guidelines, 2015. Collection method: clinical testing. Allele origin: de novo. Affected: yes. Observed: 1 variant allele.
Comment: This variant was found to be of a de novo origin. Rare variants affecting the donor splice sites in the PUF60 gene are documented as a molecular cause of "Verheij syndrome" (VRJS; OMIM:615583; PMID:27804958;28327570;28990276;28074499). To conclude, the variant is classified as likely pathogenic (ACMG PVS1, PM2, PS2).

Literature cited by the submitters: PubMed 27804958; PubMed 28327570; PubMed 28990276; PubMed 28074499.